The following is an entry in ClinVar:

ClinVar aggregate classification (germline): Uncertain significance. Review status: criteria provided, multiple submitters, no conflicts (2 of 4 stars). 2 submissions from 2 submitters: Uncertain significance (2). Last evaluated 2026-01-17.

Conditions:
Familial thoracic aortic aneurysm and aortic dissection (TAAD). Also called: Thoracic aortic aneurysms and dissections. Identifiers: Orphanet 91387, MedGen C4707243, MONDO:0019625.
Arterial tortuosity syndrome (ATORS). Identifiers: Orphanet 3342, MedGen C1859726, MONDO:0008818, OMIM 208050.

gnomAD v4.1: 4 of 1,614,232 alleles (0.00025%); highest among the groups gnomAD compares: Non-Finnish European, 0.00034%; no homozygotes.

Submissions (2):

Ambry Genetics
Classification: Uncertain significance for Familial thoracic aortic aneurysm and aortic dissection. Last evaluated: 2026-01-17. Review status: criteria provided, single submitter. Criteria: Ambry Variant Classification Scheme 2023. Collection method: clinical testing. Allele origin: germline.
Comment: The p.N455K variant (also known as c.1365C>G), located in coding exon 3 of the SLC2A10 gene, results from a C to G substitution at nucleotide position 1365. The asparagine at codon 455 is replaced by lysine, an amino acid with similar properties. This amino acid position is conserved. In addition, the in silico prediction for this alteration is inconclusive. Based on the available evidence, the clinical significance of this variant remains unclear.

Department of Pathology and Laboratory Medicine, Sinai Health System
Classification: Uncertain significance for Arterial tortuosity syndrome. Last evaluated: 2022-04-01. Review status: criteria provided, single submitter. Criteria: ACMG Guidelines, 2015. Collection method: research. Allele origin: germline.

NM_030777.4(SLC2A10):c.1365C>G (p.Asn455Lys)

Gene: SLC2A10 (solute carrier family 2 member 10; plus strand). Cytogenetic location: 20q13.12.
Variant type: single nucleotide variant.
Coding change: c.1365C>G on transcript NM_030777.4 (MANE Select); coding-DNA position 1365, C replaced by G.
Protein change: p.Asn455Lys; replaces asparagine 455 with lysine.
Molecular consequence: missense variant.
Genome position (GRCh38, 1-based): chr20:46,726,940, C>G. VCF-style: chr20-46726940-C-G. GRCh37 (hg19) VCF-style: chr20-45355579-C-G.
Other names: c.1365C>G (NM_030777.3); short protein forms N455K.
Identifiers: ClinVar variation 3892463 (VCV003892463.2).